The following is an entry in ClinVar:

NM_024753.5(TTC21B):c.262+1621A>G

Genes: TTC21B (tetratricopeptide repeat domain 21B; minus strand), TTC21B-AS1 (TTC21B antisense RNA 1; plus strand). Cytogenetic location: 2q24.3.
Variant type: single nucleotide variant.
Coding change: c.262+1621A>G on transcript NM_024753.5 (MANE Select); 1621 bases into the intron after coding-DNA position 262, A replaced by G.
Molecular consequence: intron variant.
Genome position (GRCh38, 1-based): chr2:165,947,773, T>C on the plus strand (A>G on the coding strand, the complement: TTC21B is on the minus strand). VCF-style: chr2-165947773-T-C. GRCh37 (hg19) VCF-style: chr2-166804283-T-C.
Identifiers: ClinVar variation 4884428 (VCV004884428.1).

ClinVar aggregate classification (germline): VUS-high (1 of 4 stars; one submission).

Conditions:
Nephronophthisis. Also called: Juvenile Nephronophthisis. Identifiers: Orphanet 655, MedGen C0687120, MONDO:0019005, HP:0000090.

Submission:

Laboratory of Medical Genetics Unit, Bambino Gesù Children's Hospital
Classification: VUS-high for Nephronophthisis. Last evaluated: 2026-05-06. Review status: criteria provided, single submitter. Criteria: ACMG Guidelines, 2015. Collection method: clinical testing. Allele origin: germline. Inheritance: Autosomal recessive inheritance. Affected: yes.
Comment: The variant was evaluated by VarSome (Kopanos et al., Bioinformatics 2018) and SpliceAI Lookup web tool and categorized in accordance with the ACMG recommendations (Richards et al., Genet.Med.2015). It should be considered a candidate splice-altering allele, but, based on insufficient evidence, the clinical significance of this alteration remains unclear.